The following is an entry in ClinVar:

NM_016222.4(DDX41):c.1347C>T (p.His449=)

Gene: DDX41 (DEAD-box helicase 41; minus strand). Cytogenetic location: 5q35.3.
Variant type: single nucleotide variant.
Coding change: c.1347C>T on transcript NM_016222.4 (MANE Select); coding-DNA position 1347, C replaced by T.
Protein change: p.His449=; no amino-acid change (histidine 449 retained).
Molecular consequence: synonymous variant.
Genome position (GRCh38, 1-based): chr5:177,512,832, G>A on the plus strand (C>T on the coding strand, the complement: DDX41 is on the minus strand). VCF-style: chr5-177512832-G-A. GRCh37 (hg19) VCF-style: chr5-176939833-G-A.
Other names: c.969C>T, p.His323= (NM_001321732.2, NM_001321830.2); c.1347C>T (NM_016222.3, NM_016222.2).
Identifiers: ClinVar variation 2170953 (VCV002170953.6), dbSNP rs138792438, ClinGen allele CA3584788.

ClinVar aggregate classification (germline): Likely benign. Review status: criteria provided, multiple submitters, no conflicts (2 of 4 stars). 3 submissions from 3 submitters: Likely benign (2). 1 of the submissions does not count toward it. Last evaluated 2025-12-21.

Conditions:
DDX41-related disorder. Also called: DDX41-related condition.
Inborn genetic diseases. Identifiers: MedGen C0950123, MeSH D030342.

Allele frequency attached by ClinVar (database versions not stated): TOPMed 0.00005; ExAC 0.00006; gnomAD 0.00006; ESP Exome Variant Server 0.00008; 1000 Genomes Project 0.00040; 1000 Genomes Project 30x 0.00047.
gnomAD v4.1: 118 of 1,614,050 alleles (0.0073%); highest among the groups gnomAD compares: Middle Eastern, 0.033%; no homozygotes.

Submissions (3):

Labcorp Genetics (formerly Invitae), Labcorp
Classification: Likely benign. Last evaluated: 2025-12-21. Review status: criteria provided, single submitter. Criteria: Invitae Variant Classification Sherloc (09022015). Collection method: clinical testing. Allele origin: germline.

Ambry Genetics
Classification: Likely benign for Inborn genetic diseases. Last evaluated: 2025-01-03. Review status: criteria provided, single submitter. Criteria: Ambry Variant Classification Scheme 2023. Collection method: clinical testing. Allele origin: germline.

PreventionGenetics, part of Exact Sciences
Classification: Likely benign for DDX41-related condition. Last evaluated: 2024-08-29. Review status: no assertion criteria provided. Collection method: clinical testing. Allele origin: germline. Not counted in ClinVar's aggregate classification.
Comment: This variant is classified as likely benign based on ACMG/AMP sequence variant interpretation guidelines (Richards et al. 2015 PMID: 25741868, with internal and published modifications).